The following is an entry in ClinVar:

NM_001267550.2(TTN):c.12405T>C (p.Asn4135=)

Gene: TTN (titin; minus strand). Cytogenetic location: 2q31.2.
Variant type: single nucleotide variant.
Coding change: c.12405T>C on transcript NM_001267550.2 (MANE Select); coding-DNA position 12405, T replaced by C.
Protein change: p.Asn4135=; no amino-acid change (asparagine 4135 retained).
Molecular consequence: synonymous variant. On other transcripts: intron variant (1).
Genome position (GRCh38, 1-based): chr2:178,740,828, A>G on the plus strand (T>C on the coding strand, the complement: TTN is on the minus strand). VCF-style: chr2-178740828-A-G. GRCh37 (hg19) VCF-style: chr2-179605555-A-G.
Other names: c.11454T>C, p.Asn3818= (NM_001256850.1); c.11316T>C, p.Asn3772= (NM_003319.4); c.11691T>C, p.Asn3897= (NM_133432.3); c.11892T>C, p.Asn3964= (NM_133437.4); c.10361-2468T>C (NM_133378.4).
Identifiers: ClinVar variation 507492 (VCV000507492.1), dbSNP rs767823868, ClinGen allele CA430296537.

ClinVar aggregate classification (germline): Likely benign (1 of 4 stars; one submission).

Allele frequency attached by ClinVar (database versions not stated): TOPMed 0.00001; gnomAD 0.00001.
gnomAD v4.1: 1 of 1,613,674 alleles (0.000062%); highest among the groups gnomAD compares: African/African-American, 0.0013%; no homozygotes.

Submission:

GeneDx
Classification: Likely benign. Last evaluated: 2017-02-21. Review status: criteria provided, single submitter. Criteria: GeneDx Variant Classification (06012015). Collection method: clinical testing. Allele origin: germline. Affected: yes.
Comment: This variant is considered likely benign or benign based on one or more of the following criteria: it is a conservative change, it occurs at a poorly conserved position in the protein, it is predicted to be benign by multiple in silico algorithms, and/or has population frequency not consistent with disease.